The following is an entry in ClinVar:

NM_000048.4(ASL):c.1128C>A (p.Tyr376Ter)

Gene: ASL (argininosuccinate lyase; plus strand). Cytogenetic location: 7q11.21.
Variant type: single nucleotide variant.
Coding change: c.1128C>A on transcript NM_000048.4 (MANE Select); coding-DNA position 1128, C replaced by A.
Protein change: p.Tyr376Ter; replaces tyrosine 376 with a stop codon.
Molecular consequence: nonsense.
Genome position (GRCh38, 1-based): chr7:66,092,071, C>A. VCF-style: chr7-66092071-C-A. GRCh37 (hg19) VCF-style: chr7-65557058-C-A.
Other names: c.1128C>A, p.Tyr376Ter (NM_001024943.2); c.1068C>A, p.Tyr356Ter (NM_001024944.2); c.1050C>A, p.Tyr350Ter (NM_001024946.2); c.1128C>A (NM_000048.3); short protein forms Y350*, Y376*, Y356*.
Identifiers: ClinVar variation 1432406 (VCV001432406.9), dbSNP rs764546937, ClinGen allele CA4277299.

ClinVar aggregate classification (germline): Pathogenic/Likely pathogenic. Review status: criteria provided, multiple submitters, no conflicts (2 of 4 stars). 4 submissions from 4 submitters: Pathogenic (2); Likely pathogenic (2). Last evaluated 2025-09-07.

Conditions:
Argininosuccinate lyase deficiency. Also called: ARGININOSUCCINIC ACID LYASE DEFICIENCY; ASL DEFICIENCY; Argininosuccinic aciduria. Identifiers: Orphanet 23, MedGen C0268547, MONDO:0008815, OMIM 207900, HP:0025630.

Allele frequency attached by ClinVar (database versions not stated): gnomAD exomes 0.00001; ExAC 0.00002.
gnomAD v4.1: 8 of 1,612,694 alleles (0.0005%); highest among the groups gnomAD compares: Non-Finnish European, 0.00042%; no homozygotes.

Submissions (4):

Natera, Inc.
Classification: Pathogenic for Argininosuccinate lyase deficiency. Last evaluated: 2025-09-07. Review status: criteria provided, single submitter. Criteria: Natera Variant Classification Schema (03/2026). Collection method: clinical testing. Allele origin: germline.
Comment: The c.1128C>A variant in ASL is a nonsense variant predicted to introduce a stop codon at amino acid 376. This variant is expected to result in nonsense mediated decay, truncation, or a dysfunctional protein product. This variant is rare in the general population with a frequency below the threshold expected for the associated phenotype(s). This variant has been observed in one or more individuals affected with the associated recessive disease, as either homozygous or compound heterozygous with a second variant (PMID: 31056765, 39776112). Given the available evidence, this variant is classified as Pathogenic.

Fulgent Genetics
Classification: Likely pathogenic for Argininosuccinate lyase deficiency. Last evaluated: 2024-06-05. Review status: criteria provided, single submitter. Criteria: ACMG Guidelines, 2015. Collection method: clinical testing. Allele origin: germline.

Labcorp Genetics (formerly Invitae), Labcorp
Classification: Pathogenic for Argininosuccinate lyase deficiency. Last evaluated: 2024-02-24. Review status: criteria provided, single submitter. Criteria: Invitae Variant Classification Sherloc (09022015). Collection method: clinical testing. Allele origin: germline.
Comment: This sequence change creates a premature translational stop signal (p.Tyr376*) in the ASL gene. It is expected to result in an absent or disrupted protein product. Loss-of-function variants in ASL are known to be pathogenic (PMID: 2263616, 24166829). This variant is present in population databases (rs764546937, gnomAD 0.01%). This variant has not been reported in the literature in individuals affected with ASL-related conditions. ClinVar contains an entry for this variant (Variation ID: 1432406). For these reasons, this variant has been classified as Pathogenic.

Baylor Genetics
Classification: Likely pathogenic for Argininosuccinate lyase deficiency. Last evaluated: 2023-09-09. Review status: criteria provided, single submitter. Criteria: ACMG Guidelines, 2015. Collection method: clinical testing. Allele origin: unknown.

Literature cited by the submitters: PubMed 31056765 (cited by Natera, Inc.); PubMed 39776112 (cited by Natera, Inc.); PubMed 2263616 (cited by Labcorp Genetics (formerly Invitae), Labcorp); PubMed 24166829 (cited by Labcorp Genetics (formerly Invitae), Labcorp).